The following is an entry in ClinVar:

NM_003119.4(SPG7):c.1466T>C (p.Phe489Ser)

Gene: SPG7 (SPG7 matrix AAA peptidase subunit, paraplegin; plus strand). Cytogenetic location: 16q24.3.
Variant type: single nucleotide variant.
Coding change: c.1466T>C on transcript NM_003119.4 (MANE Select); coding-DNA position 1466, T replaced by C.
Protein change: p.Phe489Ser; replaces phenylalanine 489 with serine.
Molecular consequence: missense variant.
Genome position (GRCh38, 1-based): chr16:89,546,674, T>C. VCF-style: chr16-89546674-T-C. GRCh37 (hg19) VCF-style: chr16-89613082-T-C.
Other names: c.1466T>C, p.Phe489Ser (NM_001363850.1); short protein forms F489S.
Identifiers: ClinVar variation 4281972 (VCV004281972.1).

ClinVar aggregate classification (germline): Uncertain significance (1 of 4 stars; one submission).

gnomAD v4.1: 8 of 1,613,574 alleles (0.0005%); highest among the groups gnomAD compares: African/African-American, 0.0013%; no homozygotes.

Submission:

GeneDx
Classification: Uncertain significance. Last evaluated: 2025-04-09. Review status: criteria provided, single submitter. Criteria: GeneDx Variant Classification Process June 2021. Collection method: clinical testing. Allele origin: germline. Affected: yes.
Comment: Not observed at significant frequency in large population cohorts (gnomAD); In silico analysis supports that this missense variant has a deleterious effect on protein structure/function; Has not been previously published as pathogenic or benign to our knowledge